The following is an entry in ClinVar:

ClinVar aggregate classification (germline): Uncertain significance (1 of 4 stars; one submission).

Allele frequency attached by ClinVar (database versions not stated): gnomAD exomes below 0.00001; TOPMed below 0.00001; ExAC 0.00001.
gnomAD v4.1: 5 of 1,566,106 alleles (0.00032%); highest among the groups gnomAD compares: South Asian, 0.0035%; no homozygotes.

Submission:

GeneDx
Classification: Uncertain significance. Last evaluated: 2023-01-19. Review status: criteria provided, single submitter. Criteria: GeneDx Variant Classification Process June 2021. Collection method: clinical testing. Allele origin: germline. Affected: yes.
Comment: In silico analysis supports that this missense variant has a deleterious effect on protein structure/function; Has not been previously published as pathogenic or benign to our knowledge

NM_005883.3(APC2):c.2825T>C (p.Met942Thr)

Gene: APC2 (APC regulator of WNT signaling pathway 2; plus strand). Cytogenetic location: 19p13.3.
Variant type: single nucleotide variant.
Coding change: c.2825T>C on transcript NM_005883.3 (MANE Select); coding-DNA position 2825, T replaced by C.
Protein change: p.Met942Thr; replaces methionine 942 with threonine.
Molecular consequence: missense variant.
Genome position (GRCh38, 1-based): chr19:1,466,126, T>C. VCF-style: chr19-1466126-T-C. GRCh37 (hg19) VCF-style: chr19-1466125-T-C.
Other names: c.2822T>C, p.Met941Thr (NM_001351273.1); short protein forms M941T, M942T.
Identifiers: ClinVar variation 2573714 (VCV002573714.1), dbSNP rs766055472, ClinGen allele CA9045542.
Genomic context (GRCh38, chr19:1,466,126, plus strand): 5'-TCTCCAACGACAGCCTCAACAGCGGCAGTGCCAGCGACGGGTACTGCCCACGCGAACATA[T>C]GCTGCCCTGCCCGCTGGCCGCACTGGCTTCGCGCCGCGAGGACCCCAGGTGTGGGCAGCC-3'
Protein context (NP_005874.1, residues 932-952): ASDGYCPREH[Met942Thr]LPCPLAALAS